The following is an entry in ClinVar:

ClinVar aggregate classification (germline): Uncertain significance. Review status: criteria provided, multiple submitters, no conflicts (2 of 4 stars). 2 submissions from 2 submitters: Uncertain significance (2). Last evaluated 2024-08-05.

Allele frequency attached by ClinVar (database versions not stated): gnomAD 0.00001; TOPMed 0.00003; ExAC 0.00004; gnomAD exomes 0.00004.
gnomAD v4.1: 55 of 1,598,910 alleles (0.0034%); highest among the groups gnomAD compares: Non-Finnish European, 0.0023%; no homozygotes.

Submissions (2):

Ambry Genetics
Classification: Uncertain significance. Last evaluated: 2024-08-05. Review status: criteria provided, single submitter. Criteria: Ambry Variant Classification Scheme 2023. Collection method: clinical testing. Allele origin: germline.

Labcorp Genetics (formerly Invitae), Labcorp
Classification: Uncertain significance. Last evaluated: 2023-09-04. Review status: criteria provided, single submitter. Criteria: Invitae Variant Classification Sherloc (09022015). Collection method: clinical testing. Allele origin: germline.
Comment: This sequence change replaces alanine, which is neutral and non-polar, with threonine, which is neutral and polar, at codon 26 of the KISS1 protein (p.Ala26Thr). In summary, the available evidence is currently insufficient to determine the role of this variant in disease. Therefore, it has been classified as a Variant of Uncertain Significance. Algorithms developed to predict the effect of missense changes on protein structure and function output the following: SIFT: "Not Available"; PolyPhen-2: "Possibly Damaging"; Align-GVGD: "Not Available". The threonine amino acid residue is found in multiple mammalian species, which suggests that this missense change does not adversely affect protein function. This variant has not been reported in the literature in individuals affected with KISS1-related conditions. This variant is present in population databases (rs748737279, gnomAD 0.1%), and has an allele count higher than expected for a pathogenic variant.

NM_002256.4(KISS1):c.76G>A (p.Ala26Thr)

Gene: KISS1 (KiSS-1 metastasis suppressor; minus strand). Cytogenetic location: 1q32.1.
Variant type: single nucleotide variant.
Coding change: c.76G>A on transcript NM_002256.4 (MANE Select); coding-DNA position 76, G replaced by A.
Protein change: p.Ala26Thr; replaces alanine 26 with threonine.
Molecular consequence: missense variant.
Genome position (GRCh38, 1-based): chr1:204,192,801, C>T on the plus strand (G>A on the coding strand, the complement: KISS1 is on the minus strand). VCF-style: chr1-204192801-C-T. GRCh37 (hg19) VCF-style: chr1-204161929-C-T.
Other names: c.76G>A (NM_002256.3); short protein forms A26T.
Identifiers: ClinVar variation 2907740 (VCV002907740.4), dbSNP rs748737279, ClinGen allele CA1345210.
Genomic context (GRCh38, chr1:204,192,801, plus strand): 5'-TCCCTCCCACTCCTTTCCCCAGAGGATACATACCTGTGGGTCTAGAATTCCCCACAGAGG[C>T]CACCTTTTCTAATGGCTCCCCAAAGTGGGTGGCACAGAGGAAAAGCAGTAGCTGCCAAGA-3'
Protein context (NP_002247.3, residues 16-36): THFGEPLEKV[Ala26Thr]SVGNSRPTGQ